The following is an entry in ClinVar:

ClinVar aggregate classification (germline): Conflicting classifications of pathogenicity. Review status: criteria provided, conflicting classifications (1 of 4 stars). 3 submissions from 3 submitters: Uncertain significance (1); Likely benign (1). 1 of the submissions does not count toward it. Last evaluated 2025-11-22.

Conditions:
PITRM1-related disorder. Also called: PITRM1-related condition.

Allele frequency attached by ClinVar (database versions not stated): ESP Exome Variant Server 0.00074; gnomAD 0.00131; TOPMed 0.00151; 1000 Genomes Project 30x 0.00187; 1000 Genomes Project 0.00200.
gnomAD v4.1: 540 of 1,611,006 alleles (0.034%); highest among the groups gnomAD compares: African/African-American, 0.55%; 1 homozygote.

Submissions (3):

Labcorp Genetics (formerly Invitae), Labcorp
Classification: Likely benign. Last evaluated: 2025-11-22. Review status: criteria provided, single submitter. Criteria: Invitae Variant Classification Sherloc (09022015). Collection method: clinical testing. Allele origin: germline.

Blueprint Genetics
Classification: Uncertain significance. Last evaluated: 2024-11-01. Review status: criteria provided, single submitter. Criteria: ACMG Guidelines, 2015. Collection method: clinical testing. Allele origin: germline.

PreventionGenetics, part of Exact Sciences
Classification: Likely benign for PITRM1-related condition. Last evaluated: 2020-01-02. Review status: no assertion criteria provided. Collection method: clinical testing. Allele origin: germline. Not counted in ClinVar's aggregate classification.
Comment: This variant is classified as likely benign based on ACMG/AMP sequence variant interpretation guidelines (Richards et al. 2015 PMID: 25741868, with internal and published modifications).

NM_014889.4(PITRM1):c.1661C>A (p.Ala554Asp)

Gene: PITRM1 (pitrilysin metallopeptidase 1; minus strand). Cytogenetic location: 10p15.2.
Variant type: single nucleotide variant.
Coding change: c.1661C>A on transcript NM_014889.4 (MANE Select); coding-DNA position 1661, C replaced by A.
Protein change: p.Ala554Asp; replaces alanine 554 with aspartic acid.
Molecular consequence: missense variant. On other transcripts: non-coding transcript variant (4).
Genome position (GRCh38, 1-based): chr10:3,151,324, G>T on the plus strand (C>A on the coding strand, the complement: PITRM1 is on the minus strand). VCF-style: chr10-3151324-G-T. GRCh37 (hg19) VCF-style: chr10-3193516-G-T.
Other names: c.1661C>A (NM_001242307.1); c.1661C>A, p.Ala554Asp (NM_001242307.2, NM_001347725.2); c.1565C>A, p.Ala522Asp (NM_001242309.1); c.1046C>A, p.Ala349Asp (NM_001347726.2, NM_001347727.2); c.356C>A, p.Ala119Asp (NM_001347728.2); c.1637C>A, p.Ala546Asp (NM_001347729.1, NM_001347730.1); short protein forms A119D, A522D, A546D, A554D, A349D.
Identifiers: ClinVar variation 2044730 (VCV002044730.7), dbSNP rs12248937, ClinGen allele CA5387744.